The following is an entry in ClinVar:

NM_000218.3(KCNQ1):c.1448A>G (p.Asn483Ser)

Genes: KCNQ1 (potassium voltage-gated channel subfamily Q member 1; plus strand), KCNQ1OT1 (KCNQ1 opposite strand/antisense transcript 1; minus strand). Cytogenetic location: 11p15.5.
Variant type: single nucleotide variant.
Coding change: c.1448A>G on transcript NM_000218.3 (MANE Select); coding-DNA position 1448, A replaced by G.
Protein change: p.Asn483Ser; replaces asparagine 483 with serine.
Molecular consequence: missense variant.
Genome position (GRCh38, 1-based): chr11:2,662,015, A>G. VCF-style: chr11-2662015-A-G. GRCh37 (hg19) VCF-style: chr11-2683245-A-G.
Other names: c.1352A>G, p.Asn451Ser (NM_001406836.1); c.1178A>G, p.Asn393Ser (NM_001406837.1); c.908A>G, p.Asn303Ser (NM_001406838.1); c.1067A>G, p.Asn356Ser (NM_181798.2); short protein forms N483S, N356S, N393S, N303S, N451S.
Identifiers: ClinVar variation 456858 (VCV000456858.20), dbSNP rs866469017, ClinGen allele CA216170778.

ClinVar aggregate classification (germline): Uncertain significance. Review status: criteria provided, multiple submitters, no conflicts (2 of 4 stars). 6 submissions from 6 submitters: Uncertain significance (6). Last evaluated 2026-07-08.

Conditions:
Cardiovascular phenotype. Identifiers: MedGen CN230736.
KCNQ1-related disorder. Also called: KCNQ1-related condition; KCNQ1-related disorders. Identifiers: MedGen CN239322.
Long QT syndrome (LQTS). Identifiers: MedGen C0023976, MeSH D008133, MONDO:0002442. Disease mechanism: loss of function. Inheritance: Various modes of inheritance.
Cardiac arrhythmia. Also called: Cardiac rhythm disease; Arrhythmia. Identifiers: MedGen C0003811, MONDO:0007263, HP:0011675.

Allele frequency attached by ClinVar (database versions not stated): gnomAD exomes 0.00001.
gnomAD v4.1: 21 of 1,614,204 alleles (0.0013%); highest among the groups gnomAD compares: Middle Eastern, 0.21%; no homozygotes.

Submissions (6):

Ambry Genetics
Classification: Uncertain significance for Cardiovascular phenotype. Last evaluated: 2026-07-08. Review status: criteria provided, single submitter. Criteria: Ambry Variant Classification Scheme 2023. Collection method: clinical testing. Allele origin: germline.

Labcorp Genetics (formerly Invitae), Labcorp
Classification: Uncertain significance for Long QT syndrome. Last evaluated: 2026-01-26. Review status: criteria provided, single submitter. Criteria: Invitae Variant Classification Sherloc (09022015). Collection method: clinical testing. Allele origin: germline.
Comment: This sequence change replaces asparagine, which is neutral and polar, with serine, which is neutral and polar, at codon 483 of the KCNQ1 protein (p.Asn483Ser). This variant is not present in population databases (gnomAD no frequency). This variant has not been reported in the literature in individuals affected with KCNQ1-related conditions. ClinVar contains an entry for this variant (Variation ID: 456858). Invitae Evidence Modeling of protein sequence and biophysical properties (such as structural, functional, and spatial information, amino acid conservation, physicochemical variation, residue mobility, and thermodynamic stability) indicates that this missense variant is not expected to disrupt KCNQ1 protein function with a negative predictive value of 95%. In summary, the available evidence is currently insufficient to determine the role of this variant in disease. Therefore, it has been classified as a Variant of Uncertain Significance.

GeneDx
Classification: Uncertain significance. Last evaluated: 2025-12-06. Review status: criteria provided, single submitter. Criteria: GeneDx Variant Classification Process June 2021. Collection method: clinical testing. Allele origin: germline.
Comment: Not observed at significant frequency in large population cohorts (gnomAD); In silico analysis suggests that this missense variant does not alter protein structure/function; Has not been previously published as pathogenic or benign to our knowledge

PreventionGenetics, part of Exact Sciences
Classification: Uncertain significance for KCNQ1-related condition. Last evaluated: 2025-08-27. Review status: criteria provided, single submitter. Criteria: ACMG Guidelines, 2015. Collection method: clinical testing. Allele origin: germline.
Comment: The KCNQ1 c.1448A>G variant is predicted to result in the amino acid substitution p.Asn483Ser. To our knowledge, this variant has not been reported in the literature or in a large population database (gnomAD), indicating this variant is rare. An alternate missense change at the same amino acid position (p.Asn483Lys) has been reported in an individual with cardiac arrhythmia (online supplementary file 2, van Lint et al. 2019. PubMed ID: 30847666). At this time, the clinical significance of the c.1448A>G (p.Asn483Ser) variant is uncertain due to the absence of conclusive functional and genetic evidence.

Blueprint Genetics
Classification: Uncertain significance. Last evaluated: 2023-12-27. Review status: criteria provided, single submitter. Criteria: ACMG Guidelines, 2015. Collection method: clinical testing. Allele origin: germline.

Color Diagnostics, LLC DBA Color Health
Classification: Uncertain significance for Cardiac arrhythmia. Last evaluated: 2021-04-29. Review status: criteria provided, single submitter. Criteria: ACMG Guidelines, 2015. Collection method: clinical testing. Allele origin: germline.
Comment: This missense variant replaces asparagine with serine at codon 483 of the KCNQ1 protein. Computational prediction suggests that this variant may not impact protein structure and function (internally defined REVEL score threshold <= 0.5, PMID: 27666373). To our knowledge, functional studies have not been reported for this variant. This variant has not been reported in individuals affected with cardiovascular disorders in the literature. This variant has not been identified in the general population by the Genome Aggregation Database (gnomAD). The available evidence is insufficient to determine the role of this variant in disease conclusively. Therefore, this variant is classified as a Variant of Uncertain Significance.